The following is an entry in ClinVar:

ClinVar aggregate classification (germline): Likely benign (1 of 4 stars; one submission).

Submission:

CeGaT Center for Human Genetics Tuebingen
Classification: Likely benign. Last evaluated: 2025-03-01. Review status: criteria provided, single submitter. Criteria: CeGaT Center For Human Genetics Tuebingen Variant Classification Criteria Version 2. Collection method: clinical testing. Allele origin: germline. Affected: yes. Observed: 1 variant allele.
Comment: SDHA: PM2:Supporting, BP4, BP7

NM_004168.4(SDHA):c.222G>A (p.Leu74=)

Gene: SDHA (succinate dehydrogenase complex flavoprotein subunit A; plus strand). Cytogenetic location: 5p15.33.
Variant type: single nucleotide variant.
Coding change: c.222G>A on transcript NM_004168.4 (MANE Select); coding-DNA position 222, G replaced by A.
Protein change: p.Leu74=; no amino-acid change (leucine 74 retained).
Molecular consequence: synonymous variant.
Genome position (GRCh38, 1-based): chr5:224,431, G>A. VCF-style: chr5-224431-G-A. GRCh37 (hg19) VCF-style: chr5-224546-G-A.
Other names: c.222G>A, p.Leu74= (NM_001294332.2, NM_001330758.2).
Identifiers: ClinVar variation 3778507 (VCV003778507.7).